The following is an entry in ClinVar:

NC_000003.11:g.(?_107941144)_(107945235_?)del

Gene: IFT57 (intraflagellar transport 57; minus strand). Cytogenetic location: 3q13.13.
Variant type: Deletion.
Identifiers: ClinVar variation 3247025 (VCV003247025.1).

ClinVar aggregate classification (germline): Uncertain significance (1 of 4 stars; one submission).

Submission:

Labcorp Genetics (formerly Invitae), Labcorp
Classification: Uncertain significance. Last evaluated: 2023-02-01. Review status: criteria provided, single submitter. Criteria: Invitae Variant Classification Sherloc (09022015). Collection method: clinical testing. Allele origin: unknown.
Comment: In summary, the available evidence is currently insufficient to determine the role of this variant in disease. Therefore, it has been classified as a Variant of Uncertain Significance. This variant has not been reported in the literature in individuals affected with IFT57-related conditions. This variant results in the deletion of part of exon 1 of the IFT57 gene. It is expected to result in an absent or disrupted protein product. However, the current clinical and genetic evidence is not sufficient to establish whether loss-of-function variants in IFT57 cause disease.